The following is an entry in ClinVar:

ClinVar aggregate classification (germline): Uncertain significance. Review status: criteria provided, multiple submitters, no conflicts (2 of 4 stars). 2 submissions from 2 submitters: Uncertain significance (2). Last evaluated 2026-01-19.

Allele frequency attached by ClinVar (database versions not stated): gnomAD 0.00006; TOPMed 0.00006; gnomAD exomes 0.00010; ExAC 0.00011; ESP Exome Variant Server 0.00015.
gnomAD v4.1: 151 of 1,588,832 alleles (0.0095%); highest among the groups gnomAD compares: Middle Eastern, 0.017%; no homozygotes.

Submissions (2):

Labcorp Genetics (formerly Invitae), Labcorp
Classification: Uncertain significance. Last evaluated: 2026-01-19. Review status: criteria provided, single submitter. Criteria: Invitae Variant Classification Sherloc (09022015). Collection method: clinical testing. Allele origin: germline.
Comment: This sequence change replaces arginine, which is basic and polar, with cysteine, which is neutral and slightly polar, at codon 861 of the MICAL1 protein (p.Arg861Cys). This variant is present in population databases (rs199541635, gnomAD 0.02%). This variant has not been reported in the literature in individuals affected with MICAL1-related conditions. ClinVar contains an entry for this variant (Variation ID: 2065916). An algorithm developed to predict the effect of missense changes on protein structure and function (PolyPhen-2) suggests that this variant is likely to be disruptive. In summary, the available evidence is currently insufficient to determine the role of this variant in disease. Therefore, it has been classified as a Variant of Uncertain Significance.

Ambry Genetics
Classification: Uncertain significance. Last evaluated: 2025-04-05. Review status: criteria provided, single submitter. Criteria: Ambry Variant Classification Scheme 2023. Collection method: clinical testing. Allele origin: germline.

NM_022765.4(MICAL1):c.2524C>T (p.Arg842Cys)

Gene: MICAL1 (microtubule associated monooxygenase, calponin and LIM domain containing 1; minus strand). Cytogenetic location: 6q21.
Variant type: single nucleotide variant.
Coding change: c.2524C>T on transcript NM_022765.4 (MANE Select); coding-DNA position 2524, C replaced by T.
Protein change: p.Arg842Cys; replaces arginine 842 with cysteine.
Molecular consequence: missense variant.
Genome position (GRCh38, 1-based): chr6:109,446,193, G>A on the plus strand (C>T on the coding strand, the complement: MICAL1 is on the minus strand). VCF-style: chr6-109446193-G-A. GRCh37 (hg19) VCF-style: chr6-109767396-G-A.
Other names: c.2266C>T, p.Arg756Cys (NM_001159291.2); c.2581C>T, p.Arg861Cys (NM_001286613.2); c.2524C>T (NM_022765.3); short protein forms R861C, R756C, R842C.
Identifiers: ClinVar variation 2065916 (VCV002065916.5), dbSNP rs199541635, ClinGen allele CA3952868.